The following is an entry in ClinVar:

ClinVar aggregate classification (germline): Uncertain significance (1 of 4 stars; one submission).

Conditions:
Familial cancer of breast. Also called: hereditary breast carcinoma; BREAST CANCER, FAMILIAL; Hereditary breast cancer. Identifiers: Orphanet 227535, MedGen C0346153, MONDO:0016419, OMIM 114480. Disease mechanism: loss of function.

Submission:

Labcorp Genetics (formerly Invitae), Labcorp
Classification: Uncertain significance for Familial cancer of breast. Last evaluated: 2022-06-25. Review status: criteria provided, single submitter. Criteria: Invitae Variant Classification Sherloc (09022015). Collection method: clinical testing. Allele origin: germline.
Comment: This sequence change replaces glutamic acid, which is acidic and polar, with alanine, which is neutral and non-polar, at codon 161 of the CHEK2 protein (p.Glu161Ala). This variant is not present in population databases (gnomAD no frequency). This variant has not been reported in the literature in individuals affected with CHEK2-related conditions. Algorithms developed to predict the effect of missense changes on protein structure and function (SIFT, PolyPhen-2, Align-GVGD) all suggest that this variant is likely to be disruptive. In summary, the available evidence is currently insufficient to determine the role of this variant in disease. Therefore, it has been classified as a Variant of Uncertain Significance.

NM_007194.4(CHEK2):c.482A>C (p.Glu161Ala)

Gene: CHEK2 (checkpoint kinase 2; minus strand). Cytogenetic location: 22q12.1.
Variant type: single nucleotide variant.
Coding change: c.482A>C on transcript NM_007194.4 (MANE Select); coding-DNA position 482, A replaced by C.
Protein change: p.Glu161Ala; replaces glutamic acid 161 with alanine.
Molecular consequence: missense variant. On other transcripts: 5 prime UTR variant (2), intron variant (1).
Genome position (GRCh38, 1-based): chr22:28,725,087, T>G on the plus strand (A>C on the coding strand, the complement: CHEK2 is on the minus strand). VCF-style: chr22-28725087-T-G. GRCh37 (hg19) VCF-style: chr22-29121075-T-G.
Other names: c.611A>C, p.Glu204Ala (NM_001005735.3, NM_001438294.1); c.-296A>C (NM_001257387.3); c.-182A>C (NM_001437942.1); c.575A>C, p.Glu192Ala (NM_001438293.1, NM_001438295.1); c.482A>C, p.Glu161Ala (NM_145862.3); c.444+156A>C (NM_001349956.3); short protein forms E161A, E204A, E192A.
Identifiers: ClinVar variation 2010721 (VCV002010721.4), dbSNP rs730881683, ClinGen allele CA411107585.